The following is an entry in ClinVar:

NM_175875.5(SIX5):c.1979C>T (p.Ala660Val)

Gene: SIX5 (SIX homeobox 5; minus strand). Cytogenetic location: 19q13.32.
Variant type: single nucleotide variant.
Coding change: c.1979C>T on transcript NM_175875.5 (MANE Select); coding-DNA position 1979, C replaced by T.
Protein change: p.Ala660Val; replaces alanine 660 with valine.
Molecular consequence: missense variant.
Genome position (GRCh38, 1-based): chr19:45,765,742, G>A on the plus strand (C>T on the coding strand, the complement: SIX5 is on the minus strand). VCF-style: chr19-45765742-G-A. GRCh37 (hg19) VCF-style: chr19-46269000-G-A.
Other names: c.1979C>T (NM_175875.4); short protein forms A660V.
Identifiers: ClinVar variation 2077626 (VCV002077626.6), dbSNP rs376176843, ClinGen allele CA9520448.

ClinVar aggregate classification (germline): Conflicting classifications of pathogenicity. Review status: criteria provided, conflicting classifications (1 of 4 stars). 3 submissions from 3 submitters: Uncertain significance (2); Likely benign (1). Last evaluated 2024-11-21.

Allele frequency attached by ClinVar (database versions not stated): ESP Exome Variant Server 0.00015.
gnomAD v4.1: 140 of 1,611,674 alleles (0.0087%); highest among the groups gnomAD compares: Middle Eastern, 0.12%; 1 homozygote.

Submissions (3):

Labcorp Genetics (formerly Invitae), Labcorp
Classification: Uncertain significance. Last evaluated: 2024-11-21. Review status: criteria provided, single submitter. Criteria: Invitae Variant Classification Sherloc (09022015). Collection method: clinical testing. Allele origin: germline.
Comment: This sequence change replaces alanine, which is neutral and non-polar, with valine, which is neutral and non-polar, at codon 660 of the SIX5 protein (p.Ala660Val). This variant is present in population databases (rs376176843, gnomAD 0.01%). This variant has not been reported in the literature in individuals affected with SIX5-related conditions. ClinVar contains an entry for this variant (Variation ID: 2077626). An algorithm developed to predict the effect of missense changes on protein structure and function (PolyPhen-2) suggests that this variant is likely to be disruptive. In summary, the available evidence is currently insufficient to determine the role of this variant in disease. Therefore, it has been classified as a Variant of Uncertain Significance.

Blueprint Genetics
Classification: Likely benign. Last evaluated: 2024-09-17. Review status: criteria provided, single submitter. Criteria: ACMG Guidelines, 2015. Collection method: clinical testing. Allele origin: germline.

Ambry Genetics
Classification: Uncertain significance. Last evaluated: 2022-04-22. Review status: criteria provided, single submitter. Criteria: Ambry Variant Classification Scheme 2023. Collection method: clinical testing. Allele origin: germline.